The following is an entry in ClinVar:

NM_003742.4(ABCB11):c.3802C>T (p.Arg1268Trp)

Gene: ABCB11 (ATP binding cassette subfamily B member 11; minus strand). Cytogenetic location: 2q31.1.
Variant type: single nucleotide variant.
Coding change: c.3802C>T on transcript NM_003742.4 (MANE Select); coding-DNA position 3802, C replaced by T.
Protein change: p.Arg1268Trp; replaces arginine 1268 with tryptophan.
Molecular consequence: missense variant.
Genome position (GRCh38, 1-based): chr2:168,923,786, G>A on the plus strand (C>T on the coding strand, the complement: ABCB11 is on the minus strand). VCF-style: chr2-168923786-G-A. GRCh37 (hg19) VCF-style: chr2-169780296-G-A.
Other names: NM_003742.4(ABCB11):c.3802C>T; p.Arg1268Trp; short protein forms R1268W.
Identifiers: ClinVar variation 967316 (VCV000967316.13), dbSNP rs555881834, ClinGen allele CA1950921.

ClinVar aggregate classification (germline): Pathogenic/Likely pathogenic. Review status: criteria provided, multiple submitters, no conflicts (2 of 4 stars). 4 submissions from 4 submitters: Pathogenic (1); Likely pathogenic (3). Last evaluated 2026-04-14.

Conditions:
Familial intrahepatic cholestasis. Identifiers: Orphanet 284385, MedGen CN296401, MONDO:0017290.
Progressive familial intrahepatic cholestasis type 2. Identifiers: Orphanet 79304, MedGen C3489789, MONDO:0011156, OMIM 601847.

Allele frequency attached by ClinVar (database versions not stated): ExAC 0.00001; gnomAD 0.00001; 1000 Genomes Project 30x 0.00016; 1000 Genomes Project 0.00020.
gnomAD v4.1: 7 of 1,613,896 alleles (0.00043%); highest among the groups gnomAD compares: African/African-American, 0.0013%; no homozygotes.

Submissions (4):

Genomenon, Inc
Classification: Likely pathogenic for Familial intrahepatic cholestasis. Last evaluated: 2026-04-14. Review status: criteria provided, single submitter. Criteria: Genomenon Sequence Variant Interpretation Standards - Updated. Collection method: curation. Allele origin: germline. Affected: yes.
Comment: ABCB11 p.Arg1268Trp (c.3802C>T) is a missense variant that changes the amino acid at residue 1268 from Arginine to Tryptophan. This variant has been observed in at least one proband with an ABCB11-related disorder (PMID:41165782;38341604). The presence of pathogenic or likely pathogenic missense variant(s) at the same amino acid position indicates that this residue is likely important for protein function. It is absent or not present at a significant frequency in gnomAD. In silico models predict that this variant is possibly or probably damaging. In conclusion, we classify ABCB11 p.Arg1268Trp (c.3802C>T) as a likely pathogenic variant.

Broad Center for Mendelian Genomics, Broad Institute of MIT and Harvard
Classification: Likely pathogenic for Progressive familial intrahepatic cholestasis type 2. Last evaluated: 2025-01-22. Review status: criteria provided, single submitter. Criteria: ACMG Guidelines, 2015. Collection method: curation. Allele origin: germline. Inheritance: Autosomal recessive inheritance.
Comment: The p.Arg1268Trp variant in ABCB11 has been reported, in the compound heterozygous state, in one individual with BSEP deficiency (PMID: 26858187), and has been identified in 0.001% (1/75000) of African/African American chromosomes by the Genome Aggregation Database (gnomAD; dbSNP ID: rs555881834). Although this variant has been seen in the general population in a heterozygous state, its frequency is low enough to be consistent with a recessive carrier frequency. This variant has also been reported in ClinVar (Variation ID: 967316) and has been interpreted as pathogenic by Invitae. Computational prediction tools and conservation analyses suggest that this variant may impact the protein, though this information is not predictive enough to determine pathogenicity. One additional likely pathogenic variant, resulting in a different amino acid change at the same position, (p.Arg1268Gln), has been reported in association with disease in the literature/ClinVar, slightly supporting that a change at this position may not be tolerated (PMID: 9806540, 32508937/Variation ID: 2504002). In summary, although additional studies are required to fully establish its clinical significance, this variant is likely pathogenic for BSEP deficiency. ACMG/AMP Criteria applied: PP3_moderate, PM2_supporting, PM3, PM5_supporting (Richards 2015).

Natera, Inc.
Classification: Likely pathogenic for Progressive familial intrahepatic cholestasis type 2. Last evaluated: 2024-09-30. Review status: criteria provided, single submitter. Criteria: Natera Variant Classification Schema (03/2026). Collection method: clinical testing. Allele origin: germline.
Comment: The c.3802C>T variant in ABCB11 is a missense variant predicted to cause substitution of arginine to tryptophan at amino acid 1268. This variant is rare in the general population with a frequency below the threshold expected for the associated phenotype(s). This variant has been observed in one or more individuals affected with the associated recessive disease, as either homozygous or compound heterozygous with a second variant (PMID: 26858187, 38341604). Computational prediction algorithms indicate this variant is likely to affect gene or protein function. Given the available evidence, this variant is classified as Likely Pathogenic.

Labcorp Genetics (formerly Invitae), Labcorp
Classification: Pathogenic. Last evaluated: 2022-07-25. Review status: criteria provided, single submitter. Criteria: Invitae Variant Classification Sherloc (09022015). Collection method: clinical testing. Allele origin: germline.
Comment: For these reasons, this variant has been classified as Pathogenic. This variant disrupts the p.Arg1268 amino acid residue in ABCB11. Other variant(s) that disrupt this residue have been observed in individuals with ABCB11-related conditions (PMID: 9806540), which suggests that this may be a clinically significant amino acid residue. Advanced modeling of protein sequence and biophysical properties (such as structural, functional, and spatial information, amino acid conservation, physicochemical variation, residue mobility, and thermodynamic stability) performed at Invitae indicates that this missense variant is expected to disrupt ABCB11 protein function. ClinVar contains an entry for this variant (Variation ID: 967316). This missense change has been observed in individual(s) with clinical features of hepatic cholestasis (PMID: 26858187; Invitae). In at least one individual the data is consistent with being in trans (on the opposite chromosome) from a pathogenic variant. This variant is present in population databases (rs555881834, gnomAD 0.007%). This sequence change replaces arginine, which is basic and polar, with tryptophan, which is neutral and slightly polar, at codon 1268 of the ABCB11 protein (p.Arg1268Trp).

Literature cited by the submitters: PubMed 41165782 (cited by Genomenon, Inc); PubMed 38341604 (cited by Genomenon, Inc and Natera, Inc.); PubMed 26858187 (cited by Natera, Inc. and Labcorp Genetics (formerly Invitae), Labcorp); PubMed 9806540 (cited by Labcorp Genetics (formerly Invitae), Labcorp).